The following is an entry in ClinVar:

NM_001166108.2(PALLD):c.1763A>C (p.Asn588Thr)

Gene: PALLD (palladin, cytoskeletal associated protein; plus strand). Cytogenetic location: 4q32.3.
Variant type: single nucleotide variant.
Coding change: c.1763A>C on transcript NM_001166108.2 (MANE Select); coding-DNA position 1763, A replaced by C.
Protein change: p.Asn588Thr; replaces asparagine 588 with threonine.
Molecular consequence: missense variant.
Genome position (GRCh38, 1-based): chr4:168,711,722, A>C. VCF-style: chr4-168711722-A-C. GRCh37 (hg19) VCF-style: chr4-169632873-A-C.
Other names: c.617A>C, p.Asn206Thr (NM_001166109.2); c.1763A>C, p.Asn588Thr (NM_016081.4); short protein forms N206T, N588T.
Identifiers: ClinVar variation 2624839 (VCV002624839.2), dbSNP rs2531855828, ClinGen allele CA358798163.

ClinVar aggregate classification (germline): Uncertain significance (1 of 4 stars; one submission).

Allele frequency attached by ClinVar (database versions not stated): gnomAD exomes below 0.00001.
gnomAD v4.1: 1 of 1,614,214 alleles (0.000062%); highest among the groups gnomAD compares: Non-Finnish European, 0.000085%; no homozygotes.

Submission:

Ambry Genetics
Classification: Uncertain significance. Last evaluated: 2023-07-05. Review status: criteria provided, single submitter. Criteria: Ambry Variant Classification Scheme 2023. Collection method: clinical testing. Allele origin: germline.
Comment: The p.N588T variant (also known as c.1763A>C), located in coding exon 9 of the PALLD gene, results from an A to C substitution at nucleotide position 1763. The asparagine at codon 588 is replaced by threonine, an amino acid with similar properties. This amino acid position is conserved. In addition, this alteration is predicted to be tolerated by in silico analysis. Since supporting evidence is limited at this time, the clinical significance of this alteration remains unclear.